The following is an entry in ClinVar:

NM_001278716.2(FBXL4):c.859-6A>G

Gene: FBXL4 (F-box and leucine rich repeat protein 4; minus strand). Cytogenetic location: 6q16.2.
Variant type: single nucleotide variant.
Coding change: c.859-6A>G on transcript NM_001278716.2 (MANE Select); 6 bases into the intron before coding-DNA position 859, A replaced by G.
Molecular consequence: intron variant.
Genome position (GRCh38, 1-based): chr6:98,905,676, T>C on the plus strand (A>G on the coding strand, the complement: FBXL4 is on the minus strand). VCF-style: chr6-98905676-T-C. GRCh37 (hg19) VCF-style: chr6-99353552-T-C.
Other names: c.859-6A>G (NM_012160.5).
Identifiers: ClinVar variation 437643 (VCV000437643.1), dbSNP rs767129948, ClinGen allele CA3933595.

ClinVar aggregate classification (germline): Uncertain significance (1 of 4 stars; one submission).

Conditions:
Mitochondrial DNA depletion syndrome 13. Also called: FBXL4-Related Encephalomyopathic Mitochondrial DNA Depletion Syndrome; Mitochondrial DNA depletion syndrome 13 (encephalomyopathic type). Identifiers: Orphanet 369897, MedGen C3809592, MONDO:0014198, OMIM 615471.

Allele frequency attached by ClinVar (database versions not stated): gnomAD exomes below 0.00001 and 0.00001; ExAC 0.00002.
gnomAD v4.1: 2 of 1,610,618 alleles (0.00012%); highest among the groups gnomAD compares: Non-Finnish European, 0.000085%; no homozygotes.

Submission:

Wong Mito Lab, Molecular and Human Genetics, Baylor College of Medicine
Classification: Uncertain significance for Mitochondrial DNA depletion syndrome 13. Last evaluated: 2017-08-10. Review status: criteria provided, single submitter. Criteria: ACMG Guidelines, 2015. Collection method: reference population. Allele origin: germline.
Comment: The NM_012160.4:c.859-6A>G (NP_036292.2:p.=) [GRCH38: NC_000006.12:g.98905676T>C] variant in FBXL4 gene is interpretated to be a Uncertain Significance - Insufficient Evidence based on ACMG guidelines (PMID: 25741868). This variant meets one or more of the following evidence codes reported in the ACMG-guideline. PM2:This variant is absent in key population databases. Based on this evidence code ClinGen Pathogenicity Calculator (PMID:28081714) suggested that the variant is Uncertain Significance - Insufficient Evidence.